The following is an entry in ClinVar:

ClinVar aggregate classification (germline): Uncertain significance. Review status: criteria provided, multiple submitters, no conflicts (2 of 4 stars). 3 submissions from 3 submitters: Uncertain significance (3). Last evaluated 2025-09-28.

Conditions:
Hereditary nonpolyposis colorectal neoplasms. Identifiers: MedGen C0009405, MeSH D003123.
Hereditary cancer-predisposing syndrome. Also called: Hereditary Cancer Syndrome; Neoplastic Syndromes, Hereditary; Tumor predisposition; Hereditary neoplastic syndrome. Identifiers: Orphanet 140162, MedGen C0027672, MeSH D009386, MONDO:0015356.

Allele frequency attached by ClinVar (database versions not stated): gnomAD exomes below 0.00001.
gnomAD v4.1: 2 of 1,611,724 alleles (0.00012%); highest among the groups gnomAD compares: South Asian, 0.0011%; no homozygotes.

Submissions (3):

Labcorp Genetics (formerly Invitae), Labcorp
Classification: Uncertain significance for Hereditary nonpolyposis colorectal neoplasms. Last evaluated: 2025-09-28. Review status: criteria provided, single submitter. Criteria: Invitae Variant Classification Sherloc (09022015). Collection method: clinical testing. Allele origin: germline.
Comment: This sequence change replaces threonine, which is neutral and polar, with alanine, which is neutral and non-polar, at codon 165 of the PMS2 protein (p.Thr165Ala). This variant is not present in population databases (gnomAD no frequency). This variant has not been reported in the literature in individuals affected with PMS2-related conditions. ClinVar contains an entry for this variant (Variation ID: 490107). Invitae Evidence Modeling incorporating data from in vitro experimental studies (internal data) indicates that this missense variant is not expected to disrupt PMS2 function with a negative predictive value of 95%. In summary, the available evidence is currently insufficient to determine the role of this variant in disease. Therefore, it has been classified as a Variant of Uncertain Significance.

Ambry Genetics
Classification: Uncertain significance for Hereditary cancer-predisposing syndrome. Last evaluated: 2025-09-04. Review status: criteria provided, single submitter. Criteria: Ambry Variant Classification Scheme 2023. Collection method: clinical testing. Allele origin: germline.
Comment: The p.T165A variant (also known as c.493A>G), located in coding exon 5 of the PMS2 gene, results from an A to G substitution at nucleotide position 493. The threonine at codon 165 is replaced by alanine, an amino acid with similar properties. This amino acid position is well conserved in available vertebrate species. In addition, the in silico prediction for this alteration is inconclusive. Based on the available evidence, the clinical significance of this variant remains unclear.

Color Diagnostics, LLC DBA Color Health
Classification: Uncertain significance for Hereditary cancer-predisposing syndrome. Last evaluated: 2024-03-06. Review status: criteria provided, single submitter. Criteria: ACMG Guidelines, 2015. Collection method: clinical testing. Allele origin: germline.
Comment: This missense variant replaces threonine with alanine at codon 165 of the PMS2 protein. Computational prediction suggests that this variant may not impact protein structure and function (internally defined REVEL score threshold <= 0.5, PMID: 27666373). To our knowledge, functional studies have not been reported for this variant. This variant has not been reported in individuals affected with PMS2-related disorders in the literature. This variant has not been identified in the general population by the Genome Aggregation Database (gnomAD). The available evidence is insufficient to determine the role of this variant in disease conclusively. Therefore, this variant is classified as a Variant of Uncertain Significance.

NM_000535.7(PMS2):c.493A>G (p.Thr165Ala)

Gene: PMS2 (PMS1 homolog 2, mismatch repair system component; minus strand). Cytogenetic location: 7p22.1.
Variant type: single nucleotide variant.
Coding change: c.493A>G on transcript NM_000535.7 (MANE Select); coding-DNA position 493, A replaced by G.
Protein change: p.Thr165Ala; replaces threonine 165 with alanine.
Molecular consequence: missense variant. On other transcripts: 5 prime UTR variant (2), non-coding transcript variant (1).
Genome position (GRCh38, 1-based): chr7:6,002,497, T>C on the plus strand (A>G on the coding strand, the complement: PMS2 is on the minus strand). VCF-style: chr7-6002497-T-C. GRCh37 (hg19) VCF-style: chr7-6042128-T-C.
Other names: c.88A>G, p.Thr30Ala (NM_001322003.2, NM_001322004.2, NM_001322005.2 and 3 more transcripts); c.493A>G, p.Thr165Ala (NM_001322006.2, NM_001322014.2); c.175A>G, p.Thr59Ala (NM_001322007.2, NM_001322008.2); c.-392A>G (NM_001322011.2, NM_001322012.2); c.184A>G, p.Thr62Ala (NM_001322015.2); short protein forms T165A, T30A, T62A, T59A.
Identifiers: ClinVar variation 490107 (VCV000490107.12), dbSNP rs1554303902, ClinGen allele CA366744240.